The following is an entry in ClinVar:

NM_024598.4(USB1):c.512T>C (p.Ile171Thr)

Gene: USB1 (U6 snRNA biogenesis phosphodiesterase 1; plus strand). Cytogenetic location: 16q21.
Variant type: single nucleotide variant.
Coding change: c.512T>C on transcript NM_024598.4 (MANE Select); coding-DNA position 512, T replaced by C.
Protein change: p.Ile171Thr; replaces isoleucine 171 with threonine.
Molecular consequence: missense variant.
Genome position (GRCh38, 1-based): chr16:58,017,342, T>C. VCF-style: chr16-58017342-T-C. GRCh37 (hg19) VCF-style: chr16-58051246-T-C.
Other names: c.458T>C, p.Ile153Thr (NM_001195302.2); c.359T>C, p.Ile120Thr (NM_001330568.2); short protein forms I120T, I153T, I171T.
Identifiers: ClinVar variation 784580 (VCV000784580.16), dbSNP rs149725439, ClinGen allele CA8084968.
Genomic context (GRCh38, chr16:58,017,342, plus strand): 5'-GCTGTGTTCTCAGAGGCTACATCTCATGCCTGCGTTGTCTTCCTCTCCCCAGGACCTTTA[T>C]TGGGCTTGAGGTCACTTCAGGGCATGCCCAGTTCCTGGACCTGGTTTCAGAGGTGGACAG-3'
Protein context (NP_078874.2, residues 161-181): YTNQEKTRTF[Ile171Thr]GLEVTSGHAQ

ClinVar aggregate classification (germline): Conflicting classifications of pathogenicity. Review status: criteria provided, conflicting classifications (1 of 4 stars). 4 submissions from 4 submitters: Uncertain significance (1); Likely benign (2). 1 of the submissions does not count toward it. Last evaluated 2026-01-12.

Conditions:
USB1-related disorder. Also called: USB1-related condition.
Poikiloderma with neutropenia (PN). Identifiers: Orphanet 221046, MedGen C1858723, MONDO:0011405, OMIM 604173.

Allele frequency attached by ClinVar (database versions not stated): ESP Exome Variant Server 0.00008; gnomAD 0.00017 and 0.00031; TOPMed 0.00022; gnomAD exomes 0.00039 and 0.00076; ExAC 0.00074; 1000 Genomes Project 30x 0.00109; 1000 Genomes Project 0.00140.
gnomAD v4.1: 628 of 1,614,142 alleles (0.039%); highest among the groups gnomAD compares: South Asian, 0.46%; 6 homozygotes.

Submissions (4):

Labcorp Genetics (formerly Invitae), Labcorp
Classification: Likely benign. Last evaluated: 2026-01-12. Review status: criteria provided, single submitter. Criteria: Invitae Variant Classification Sherloc (09022015). Collection method: clinical testing. Allele origin: germline.

PreventionGenetics, part of Exact Sciences
Classification: Likely benign for USB1-related condition. Last evaluated: 2025-10-06. Review status: criteria provided, single submitter. Criteria: ACMG Guidelines, 2015. Collection method: clinical testing. Allele origin: germline.
Comment: This variant is classified as likely benign based on ACMG/AMP sequence variant interpretation guidelines (Richards et al. 2015 PMID: 25741868, with internal and published modifications).

GeneDx
Classification: Uncertain significance. Last evaluated: 2019-11-11. Review status: criteria provided, single submitter. Criteria: GeneDx Variant Classification Process June 2021. Collection method: clinical testing. Allele origin: germline. Affected: yes.
Comment: In silico analysis, which includes protein predictors and evolutionary conservation, supports a deleterious effect; Has not been previously published as pathogenic or benign to our knowledge

UOSD Laboratory of Genetics & Genomics of Rare Diseases, Istituto Giannina Gaslini
Classification: Uncertain significance for Poikiloderma with neutropenia. Last evaluated: 2020-05-21. Review status: no assertion criteria provided. Collection method: clinical testing. Allele origin: germline. Affected: yes. Observed: 1 variant allele. Not counted in ClinVar's aggregate classification.